The following is an entry in ClinVar:

ClinVar aggregate classification (germline): Pathogenic (1 of 4 stars; one submission).

Conditions:
Peroxisome biogenesis disorder. Identifiers: Orphanet 79189, MedGen C1832200, MONDO:0019234. Disease mechanism: loss of function.

Submission:

Myriad Genetics, Inc.
Classification: Pathogenic for Peroxisome biogenesis disorder. Last evaluated: 2024-02-19. Review status: criteria provided, single submitter. Criteria: Myriad Autosomal Dominant, Autosomal Recessive and X-Linked Classification Criteria (2023). Collection method: clinical testing. Allele origin: unknown.
Comment: NM_153818.1(PEX10):c.28_29insC(E10Afs*41) is expected to be pathogenic in the context of peroxisome biogenesis disorder type 6. This variant is predicted to lead to an abnormal or absent protein product due to the creation of a premature termination codon in PEX10, a gene where loss-of-function variants are known to be pathogenic. Please note: this variant was assessed in the context of healthy population screening.

NM_002617.4(PEX10):c.28_29insC (p.Glu10fs)

Gene: PEX10 (peroxisomal biogenesis factor 10; minus strand). Cytogenetic location: 1p36.32.
Variant type: Insertion.
Coding change: c.28_29insC on transcript NM_002617.4 (MANE Select); coding-DNA positions 28 to 29, C inserted.
Protein change: p.Glu10fs; shifts the reading frame from glutamic acid 10.
Molecular consequence: frameshift variant. On other transcripts: intron variant (2).
Genome position: GRCh38 VCF-style: chr1-2412474-T-TG. GRCh37 (hg19) VCF-style: chr1-2343913-T-TG.
Other names: c.28_29insC, p.Glu10fs (NM_001374425.1, NM_153818.2); c.-321+1122_-321+1123insC (NM_001374427.1, NM_001374426.1); short protein forms E10fs.
Identifiers: ClinVar variation 5012759 (VCV005012759.1).